The following is an entry in ClinVar:

ClinVar aggregate classification (germline): Pathogenic. Review status: reviewed by expert panel (3 of 4 stars). 17 submissions from 15 submitters: Pathogenic (1). 16 of the submissions do not count toward it. Last evaluated 2017-03-17.

Conditions:
CFTR-related disorder (CFTR-RD). Also called: CFTR-related condition; CFTR-related disorders. Identifiers: MedGen C5924204, MONDO:7770004.
Congenital bilateral aplasia of vas deferens from CFTR mutation (CBAVD). Identifiers: Orphanet 48, MedGen C0403814, MONDO:0010178, OMIM 277180. Disease mechanism: loss of function.
Cystic fibrosis (CF). Also called: MUCOVISCIDOSIS. Identifiers: Orphanet 586, MedGen C0010674, MONDO:0009061, OMIM 219700. Disease mechanism: loss of function.
Bronchiectasis with or without elevated sweat chloride 1 (BESC1). Also called: Cystic Fibrosis-Like Syndrome. Identifiers: Orphanet 60033, MedGen C2749757, MONDO:0008887, OMIM 211400.

Allele frequency attached by ClinVar (database versions not stated): gnomAD exomes below 0.00001; ExAC 0.00001; gnomAD 0.00001; TOPMed 0.00001.
gnomAD v4.1: 3 of 1,601,996 alleles (0.00019%); highest among the groups gnomAD compares: East Asian, 0.0022%; no homozygotes.

Submissions 1 to 11 of 17:

CFTR2
Classification: Pathogenic for Cystic fibrosis. Last evaluated: 2017-03-17. Review status: reviewed by expert panel. Criteria: Sosnay PR et al. (Nat Genet 2013). Collection method: research. Allele origin: germline. Affected: yes. Study: CFTR2.

Natera, Inc.
Classification: Pathogenic for CFTR-related disorders. Last evaluated: 2025-12-15. Review status: criteria provided, single submitter. Criteria: Natera Variant Classification Schema (03/2026). Collection method: clinical testing. Allele origin: germline. Not counted in ClinVar's aggregate classification.
Comment: The c.1680-1G>A variant in CFTR is a canonical splice acceptor site variant predicted to affect pre-mRNA splicing, which may result in an abnormal transcript and altered protein product. This variant is expected to result in nonsense mediated decay, truncation, or a dysfunctional protein product. This variant is rare in the general population with a frequency below the threshold expected for the associated phenotype(s). This variant has been observed in one or more individuals affected with the associated recessive disease, as either homozygous or compound heterozygous with a second variant (PMID: 30996306, 27784314, 23687349). Given the available evidence, this variant is classified as Pathogenic.

Labcorp Genetics (formerly Invitae), Labcorp
Classification: Pathogenic for Cystic fibrosis. Last evaluated: 2025-06-08. Review status: criteria provided, single submitter. Criteria: Invitae Variant Classification Sherloc (09022015). Collection method: clinical testing. Allele origin: germline. Not counted in ClinVar's aggregate classification.
Comment: This sequence change affects an acceptor splice site in intron 12 of the CFTR gene. It is expected to disrupt RNA splicing. Variants that disrupt the donor or acceptor splice site typically lead to a loss of protein function (PMID: 16199547), and loss-of-function variants in CFTR are known to be pathogenic (PMID: 1695717, 7691345, 9725922). This variant is present in population databases (rs121908794, gnomAD 0.003%). Disruption of this splice site has been observed in individuals with cystic fibrosis (PMID: 7517264, 16786510, 23974870, 25667564, 25674778, 27086061). This variant is also known as 1812-1G>A. ClinVar contains an entry for this variant (Variation ID: 48681). Algorithms developed to predict the effect of sequence changes on RNA splicing suggest that this variant may disrupt the consensus splice site. For these reasons, this variant has been classified as Pathogenic.

Baylor Genetics
Classification: Pathogenic for Bronchiectasis with or without elevated sweat chloride 1. Last evaluated: 2024-03-16. Review status: criteria provided, single submitter. Criteria: ACMG Guidelines, 2015. Collection method: clinical testing. Allele origin: unknown. Not counted in ClinVar's aggregate classification.

Ambry Genetics
Classification: Pathogenic for Cystic fibrosis. Last evaluated: 2024-02-12. Review status: criteria provided, single submitter. Criteria: Ambry Variant Classification Scheme 2023. Collection method: clinical testing. Allele origin: germline. Not counted in ClinVar's aggregate classification.
Comment: The c.1680-1G>A intronic pathogenic mutation results from a G to A substitution one nucleotide upstream from coding exon 13 of the CFTR gene. Alterations that disrupt the canonical splice site are expected to result in aberrant splicing. In silico splice site analysis predicts that this alteration will weaken the native splice acceptor site and will result in the creation or strengthening of a novel splice acceptor site. The resulting transcript is predicted to be in-frame and is not expected to trigger nonsense-mediated mRNAdecay; however, direct evidence is unavailable. The exact functional effect of the altered amino acid sequence is unknown; however, the impacted region is critical for protein function (Ambry internal data). This mutation was first reported in a Spanish cystic fibrosis (CF) cohort (Chill&oacute;n M, Hum. Mutat. 1994; 3(3):223-30) and is associated with elevated sweat chloride levels, decreased lung function, pancreatic insufficiency, and Pseudomonas infection (Sosnay PR, Nat. Genet. 2013 Oct; 45(10):1160-7). In addition, this alteration has been detected in several cohort of individuals with diagnoses or suspected diagnoses of CF (Schrijver I et al. J Mol Diagn, 2016 Jan;18:39-50). (Fel&iacute;cio V et al. Clin. Genet., 2017 03;91:476-481). This nucleotide position is highly conserved in available vertebrate species. Based on the supporting evidence, this alteration is interpreted as a disease-causing mutation.

Neuberg Centre For Genomic Medicine, NCGM
Classification: Pathogenic for Cystic fibrosis. Last evaluated: 2023-03-01. Review status: criteria provided, single submitter. Criteria: ACMG Guidelines, 2015. Collection method: clinical testing. Allele origin: germline. Inheritance: Autosomal recessive inheritance. Affected: yes. Not counted in ClinVar's aggregate classification.
Comment: The invariant splice acceptor c.1680-1G>A in CFTR gene has been reported in compound heterozygous state in multiple individuals affected with Cystic Fibrosis (Felício V et al. 2017; Gaitch N et al. 2016; Schrijver I et al. 2016). The c.1680-1G>A variant has allele frequency 0.0004% in gnomAD Exomes and is novel (not in any individuals) in 1000 Genomes. This variant has been reported to the ClinVar database as Pathogenic (multiple submiters). loss-of-function variants in CFTR are known to be pathogenic (Chillón M et al. 1994). For these reasons, this variant has been classified as Pathogenic.

Laboratorio de Genetica e Diagnostico Molecular, Hospital Israelita Albert Einstein
Classification: Pathogenic for Cystic fibrosis. Last evaluated: 2022-09-02. Review status: criteria provided, single submitter. Criteria: ACMG Guidelines, 2015. Collection method: clinical testing. Allele origin: germline. Affected: yes. Observed: 1 variant allele. Not counted in ClinVar's aggregate classification.
Comment: ACMG classification criteria: PVS1 very strong, PS4 strong, PM2 moderated, PM3 moderated

Johns Hopkins Genomics, Johns Hopkins University
Classification: Pathogenic for Cystic fibrosis. Last evaluated: 2020-12-22. Review status: criteria provided, single submitter. Criteria: ACMG Guidelines, 2015. Collection method: clinical testing. Allele origin: germline. Not counted in ClinVar's aggregate classification.

Women's Health and Genetics/Laboratory Corporation of America, LabCorp
Classification: Pathogenic for Cystic fibrosis. Last evaluated: 2020-10-01. Review status: criteria provided, single submitter. Criteria: LabCorp Variant Classification Summary - May 2015. Collection method: clinical testing. Allele origin: germline. Not counted in ClinVar's aggregate classification.
Comment: Variant summary: CFTR c.1680-1G>A is located in a canonical splice-site and is predicted to affect mRNA splicing resulting in a significantly altered protein due to either exon skipping, shortening, or inclusion of intronic material. Several computational tools predict a significant impact on normal splicing: Four predict the variant abolishes a canonical 3 acceptor site. Four predict the variant creates a 3 acceptor site. However, these predictions have yet to be confirmed by functional studies. The variant allele was found at a frequency of 4e-06 in 250274 control chromosomes (gnomAD). c.1680-1G>A has been reported in the literature in multiple individuals affected with Cystic Fibrosis (Chillon_1994, Watson_2004, Sosnay_2013). These data indicate that the variant is very likely to be associated with disease. To our knowledge, no experimental evidence demonstrating an impact on protein function has been reported. Five ClinVar submitters, including one expert panel (CFTR2), (evaluation after 2014) cite the variant as pathogenic. Based on the evidence outlined above, the variant was classified as pathogenic.

Genome Diagnostics Laboratory, The Hospital for Sick Children
Classification: Pathogenic for Cystic fibrosis. Last evaluated: 2020-07-28. Review status: criteria provided, single submitter. Criteria: ACMG Guidelines, 2015. Collection method: clinical testing. Allele origin: germline. Not counted in ClinVar's aggregate classification.

Myriad Genetics, Inc.
Classification: Pathogenic for Cystic fibrosis. Last evaluated: 2019-12-09. Review status: criteria provided, single submitter. Criteria: Myriad Women's Health Autosomal Recessive and X-Linked Classification Criteria (2019). Collection method: clinical testing. Allele origin: unknown. Not counted in ClinVar's aggregate classification.
Comment: NM_000492.3(CFTR):c.1680-1G>A(aka 1812-1G>A) is classified as pathogenic in the context of cystic fibrosis and is associated with the classic form of disease. Sources cited for classification include the following: PMID 10077727, 17331079, 11388756, 7517264, 18456578, 23974870 and 16963320. Classification of NM_000492.3(CFTR):c.1680-1G>A(aka 1812-1G>A) is based on the following criteria: The variant is located at a canonical splice site, is expected to disrupt gene function and is reported in individuals with the relevant phenotype. Please note: this variant was assessed in the context of healthy population screening.

NM_000492.4(CFTR):c.1680-1G>A

Gene: CFTR (CF transmembrane conductance regulator; plus strand). Cytogenetic location: 7q31.2.
Variant type: single nucleotide variant.
Coding change: c.1680-1G>A on transcript NM_000492.4 (MANE Select); the canonical splice acceptor site of the intron before coding-DNA position 1680, G replaced by A.
Molecular consequence: splice acceptor variant.
Genome position (GRCh38, 1-based): chr7:117,590,352, G>A. VCF-style: chr7-117590352-G-A. GRCh37 (hg19) VCF-style: chr7-117230406-G-A.
Other names: 1812-1G>A; 1812-1G->A.
Identifiers: ClinVar variation 48681 (VCV000048681.31), dbSNP rs121908794, ClinGen allele CA328089.